The following is an entry in ClinVar:

ClinVar aggregate classification (germline): Benign (1 of 4 stars; one submission).

Submission:

GeneDx
Classification: Benign. Last evaluated: 2018-06-14. Review status: criteria provided, single submitter. Criteria: GeneDx Variant Classification (06012015). Collection method: clinical testing. Allele origin: germline. Affected: yes.
Comment: This variant is considered likely benign or benign based on one or more of the following criteria: it is a conservative change, it occurs at a poorly conserved position in the protein, it is predicted to be benign by multiple in silico algorithms, and/or has population frequency not consistent with disease.

NM_001844.5(COL2A1):c.4074+50_4074+51del

Gene: COL2A1 (collagen type II alpha 1 chain; minus strand). Cytogenetic location: 12q13.11.
Variant type: Microsatellite.
Coding change: c.4074+50_4074+51del on transcript NM_001844.5 (MANE Select); bases 50 to 51 of the intron after coding-DNA position 4074, 2 bases deleted (CT; older notation c.4074+50_4074+51delCT).
Molecular consequence: intron variant.
Genome position (GRCh38, 1-based): chr12:47,974,624-47,974,625, AG deleted on the plus strand (CT on the coding strand, the reverse complement: COL2A1 is on the minus strand); deleting any 2 consecutive bases within chr12:47,974,624-47,974,627 gives the same sequence; the c. name uses the placement nearest the transcript's 3' end. VCF-style (leftmost placement, unchanged base first): chr12-47974623-AAG-A. GRCh37 (hg19) VCF-style: chr12-48368406-AAG-A.
Other names: c.3867+50_3867+51del (NM_033150.3).
Identifiers: ClinVar variation 675120 (VCV000675120.1), dbSNP rs41272763, ClinGen allele CA236516308.